The following is an entry in ClinVar:

ClinVar aggregate classification (germline): Pathogenic. Review status: criteria provided, multiple submitters, no conflicts (2 of 4 stars). 5 submissions from 5 submitters: Pathogenic (3). 2 of the submissions do not count toward it. Last evaluated 2026-04-06.

Conditions:
Primary hyperoxaluria, type I (HP1). Also called: GLYCOLIC ACIDURIA; HEPATIC AGT DEFICIENCY; OXALOSIS I; Primary hyperoxaluria type 1. Identifiers: Orphanet 416, Orphanet 93598, MedGen C0268164, MONDO:0009823, OMIM 259900. Disease mechanism: loss of function.

Allele frequency attached by ClinVar (database versions not stated): gnomAD exomes below 0.00001; TOPMed below 0.00001; gnomAD 0.00001; ESP Exome Variant Server 0.00008.
gnomAD v4.1: 3 of 1,613,788 alleles (0.00019%); highest among the groups gnomAD compares: Non-Finnish European, 0.00025%; no homozygotes.

Submissions (5):

Myriad Genetics, Inc.
Classification: Pathogenic for Primary hyperoxaluria, type I. Last evaluated: 2026-04-06. Review status: criteria provided, single submitter. Criteria: Myriad Autosomal Dominant, Autosomal Recessive and X-Linked Classification Criteria (2023). Collection method: clinical testing. Allele origin: unknown.
Comment: NM_000030.2(AGXT):c.525-1G>A is a variant in a canonical splice site classified as pathogenic in the context of primary hyperoxaluria type 1. c.525-1G>A has been observed in cases with relevant disease (PMID: 10862087, 17460142). Relevant functional assessments of this variant are not available in the literature. c.525-1G>A has not been observed in referenced population frequency databases. In summary, NM_000030.2(AGXT):c.525-1G>A is a variant in a canonical splice site in a gene where loss of function is a known mechanism of disease, is predicted to disrupt protein function, and has been observed more frequently in cases with the relevant disease than in healthy populations. Please note: this variant was assessed in the context of healthy population screening.

Natera, Inc.
Classification: Pathogenic for Primary hyperoxaluria type I. Last evaluated: 2024-12-09. Review status: criteria provided, single submitter. Criteria: Natera Variant Classification Schema (03/2026). Collection method: clinical testing. Allele origin: germline.
Comment: The c.525-1G>A variant in AGXT is a canonical splice acceptor site variant predicted to affect pre-mRNA splicing, which may result in an abnormal transcript and altered protein product. This variant is expected to result in nonsense mediated decay, truncation, or a dysfunctional protein product. This variant is rare in the general population with a frequency below the threshold expected for the associated phenotype(s). This variant has been observed in one or more individuals affected with the associated recessive disease, as either homozygous or compound heterozygous with a second variant (PMID: 17460142). Given the available evidence, this variant is classified as Pathogenic.

Labcorp Genetics (formerly Invitae), Labcorp
Classification: Pathogenic. Last evaluated: 2023-10-14. Review status: criteria provided, single submitter. Criteria: Invitae Variant Classification Sherloc (09022015). Collection method: clinical testing. Allele origin: germline.
Comment: This sequence change affects an acceptor splice site in intron 4 of the AGXT gene. It is expected to disrupt RNA splicing. Variants that disrupt the donor or acceptor splice site typically lead to a loss of protein function (PMID: 16199547), and loss-of-function variants in AGXT are known to be pathogenic (PMID: 19479957). This variant is not present in population databases (gnomAD no frequency). Disruption of this splice site has been observed in individual(s) with primary hyperoxaluria type 1 (PMID: 10862087, 17460142). In at least one individual the data is consistent with being in trans (on the opposite chromosome) from a pathogenic variant. This variant is also known as 647-1G>A. ClinVar contains an entry for this variant (Variation ID: 204165). Algorithms developed to predict the effect of sequence changes on RNA splicing suggest that this variant may disrupt the consensus splice site. For these reasons, this variant has been classified as Pathogenic.

Counsyl
Classification: Pathogenic for Primary hyperoxaluria, type I. Last evaluated: 2018-04-09. Review status: no assertion criteria provided. Collection method: clinical testing. Allele origin: unknown. Not counted in ClinVar's aggregate classification.

Clinical Biochemistry Laboratory, Health Services Laboratory
Classification: Pathogenic for Primary hyperoxaluria, type I. Last evaluated: 2014-11-27. Review status: no assertion criteria provided. Collection method: research. Allele origin: germline. Affected: yes. Not counted in ClinVar's aggregate classification.

Literature cited by the submitters: PubMed 10862087 (cited by 4 submitters); PubMed 17460142 (cited by 4 submitters); PubMed 16199547 (cited by Labcorp Genetics (formerly Invitae), Labcorp); PubMed 19479957 (cited by Labcorp Genetics (formerly Invitae), Labcorp).

NM_000030.3(AGXT):c.525-1G>A

Gene: AGXT (alanine--glyoxylate aminotransferase; plus strand). Cytogenetic location: 2q37.3.
Variant type: single nucleotide variant.
Coding change: c.525-1G>A on transcript NM_000030.3 (MANE Select); the canonical splice acceptor site of the intron before coding-DNA position 525, G replaced by A.
Molecular consequence: splice acceptor variant.
Genome position (GRCh38, 1-based): chr2:240,872,978, G>A. VCF-style: chr2-240872978-G-A. GRCh37 (hg19) VCF-style: chr2-241812395-G-A.
Identifiers: ClinVar variation 204165 (VCV000204165.11), dbSNP rs180177234, ClinGen allele CA275805.